The following is an entry in ClinVar:

NM_007294.4(BRCA1):c.4957G>A (p.Val1653Met)

Gene: BRCA1 (BRCA1 DNA repair associated; minus strand). Cytogenetic location: 17q21.31.
Variant type: single nucleotide variant.
Coding change: c.4957G>A on transcript NM_007294.4 (MANE Select); coding-DNA position 4957, G replaced by A.
Protein change: p.Val1653Met; replaces valine 1653 with methionine.
Molecular consequence: missense variant. On other transcripts: non-coding transcript variant (1).
Genome position (GRCh38, 1-based): chr17:43,070,957, C>T on the plus strand (G>A on the coding strand, the complement: BRCA1 is on the minus strand). VCF-style: chr17-43070957-C-T. GRCh37 (hg19) VCF-style: chr17-41222974-C-T.
Other names: c.4828G>A, p.Val1610Met (NM_001407682.1, NM_001407683.1, NM_001407685.1 and 6 more transcripts); c.4957G>A, p.Val1653Met (NM_001407684.1, NM_001407594.1, NM_001407596.1 and 8 more transcripts); c.4825G>A, p.Val1609Met (NM_001407690.1, NM_001407691.1); c.4747G>A, p.Val1583Met (NM_001407889.1, NM_001407879.1, NM_001407881.1 and 5 more transcripts); c.4744G>A, p.Val1582Met (NM_001407894.1, NM_001407895.1, NM_001407896.1 and 12 more transcripts); c.4834G>A, p.Val1612Met (NM_001407938.1, NM_001407664.1, NM_001407665.1 and 6 more transcripts); c.4831G>A, p.Val1611Met (NM_001407939.1, NM_001407940.1, NM_001407670.1 and 11 more transcripts); c.4816G>A, p.Val1606Met (NM_001407942.1, NM_001407727.1, NM_001407728.1 and 13 more transcripts); and 70 more; short protein forms V1653M, V1606M, V1674M, V549M, V1499M, V1526M, V1542M, V1565M.
Identifiers: ClinVar variation 55331 (VCV000055331.18), dbSNP rs80357261, ClinGen allele CA003104.

ClinVar aggregate classification (germline): Conflicting classifications of pathogenicity. Review status: criteria provided, conflicting classifications (1 of 4 stars). 5 submissions from 5 submitters: Likely pathogenic (2); Uncertain significance (2). 1 of the submissions does not count toward it. Last evaluated 2026-04-06.

Conditions:
Hereditary cancer-predisposing syndrome. Also called: Hereditary Cancer Syndrome; Hereditary neoplastic syndrome; Neoplastic Syndromes, Hereditary; Tumor predisposition. Identifiers: Orphanet 140162, MedGen C0027672, MeSH D009386, MONDO:0015356.
Breast-ovarian cancer, familial, susceptibility to, 1 (BROVCA1). Also called: BRCA1 Hereditary Breast and Ovarian Cancer; OVARIAN CANCER, SUSCEPTIBILITY TO. Identifiers: Orphanet 145, MedGen C2676676, MONDO:0011450, OMIM 604370. Disease mechanism: loss of function.
Hereditary breast ovarian cancer syndrome. Also called: BRCA1- and BRCA2-Associated Hereditary Breast and Ovarian Cancer; Hereditary breast and ovarian cancer syndrome; Hereditary breast and ovarian cancer syndrome (HBOC); Breast and ovarian cancer; Hereditary breast and/or ovarian cancer syndrome; Hereditary breast and ovarian cancer. Identifiers: Orphanet 145, MedGen C0677776, MeSH D061325, MONDO:0003582. Disease mechanism: loss of function.

Submissions (5):

Ambry Genetics
Classification: Uncertain significance for Hereditary cancer-predisposing syndrome. Last evaluated: 2026-04-06. Review status: criteria provided, single submitter. Criteria: Ambry Variant Classification Scheme 2023. Collection method: clinical testing. Allele origin: germline.
Comment: The p.V1653M variant (also known as c.4957G>A), located in coding exon 14 of the BRCA1 gene, results from a G to A substitution at nucleotide position 4957. The valine at codon 1653 is replaced by methionine, an amino acid with highly similar properties. This variant has mixed results in various functional assays including a transcription activation assay where it is non-functional; intermediate effects in binding activity and specificity, and WT-like effects in a yeast-based small colony-forming assay (Coyne RS et al. Cancer Biol. Ther. 2004 May;3:453-7; Lee MS et al. Cancer Res. 2010 Jun;70:4880-90; Fernandes VC et al. J Biol Chem. 2019 04;294:5980-5992). This amino acid position is highly conserved in available vertebrate species. In addition, this alteration is predicted to be deleterious by in silico analysis. Based on the available evidence, the clinical significance of this variant remains unclear.

Myriad Genetics, Inc.
Classification: Likely pathogenic for Breast-ovarian cancer, familial, susceptibility to, 1. Last evaluated: 2025-04-17. Review status: criteria provided, single submitter. Criteria: Myriad Autosomal Dominant, Autosomal Recessive and X-Linked Classification Criteria (2023). Collection method: clinical testing. Allele origin: unknown.
Comment: This variant is considered likely pathogenic. Functional studies indicate this variant impacts protein function [PMID: 20516115, 30209399]. This variant is expected to disrupt protein structure [Myriad internal data].

GeneDx
Classification: Likely pathogenic. Last evaluated: 2024-10-11. Review status: criteria provided, single submitter. Criteria: GeneDx Variant Classification Process June 2021. Collection method: clinical testing. Allele origin: germline. Affected: yes.
Comment: Published functional studies demonstrate a damaging effect : most show impaired homology-directed repair activity and transcription activity (PMID: 30765603, 35665744, 28781887, 29884841, 20516115); Observed in individuals with breast and/or ovarian cancer (PMID: 25802882); Not observed at significant frequency in large population cohorts (gnomAD); In silico analysis supports that this missense variant has a deleterious effect on protein structure/function; Also known as 5076G>A; This variant is associated with the following publications: (PMID: 30765603, 35665744, 28781887, 29884841, 20516115, 25348405, 31131967, 25802882, 9333265, 29215753, 15004537, 14534301, 15172985, 17305420, 32377563, 31853058)

Labcorp Genetics (formerly Invitae), Labcorp
Classification: Uncertain significance for Hereditary breast ovarian cancer syndrome. Last evaluated: 2021-10-18. Review status: criteria provided, single submitter. Criteria: Invitae Variant Classification Sherloc (09022015). Collection method: clinical testing. Allele origin: germline.
Comment: In summary, the available evidence is currently insufficient to determine the role of this variant in disease. Therefore, it has been classified as a Variant of Uncertain Significance. Experimental studies have shown that this missense change affects BRCA1 function (PMID: 15004537, 20516115, 28781887). Algorithms developed to predict the effect of missense changes on protein structure and function are either unavailable or do not agree on the potential impact of this missense change (SIFT: "Deleterious"; PolyPhen-2: "Probably Damaging"; Align-GVGD: "Class C0"). ClinVar contains an entry for this variant (Variation ID: 55331). This missense change has been observed in individual(s) with breast and/or ovarian cancer (PMID: 9333265). This variant is not present in population databases (ExAC no frequency). This sequence change replaces valine with methionine at codon 1653 of the BRCA1 protein (p.Val1653Met). The valine residue is highly conserved and there is a small physicochemical difference between valine and methionine.

Breast Cancer Information Core (BIC) (BRCA1)
Classification: Uncertain significance for Breast-ovarian cancer, familial 1. Last evaluated: 1997-02-15. Review status: no assertion criteria provided. Collection method: clinical testing. Allele origin: germline. Affected: yes. Observed: 1 variant allele. Not counted in ClinVar's aggregate classification.

Literature cited by the submitters: PubMed 14534301 (cited by Ambry Genetics); PubMed 15004537 (cited by Ambry Genetics and Labcorp Genetics (formerly Invitae), Labcorp); PubMed 17305420 (cited by Ambry Genetics); PubMed 20516115 (cited by 3 submitters); PubMed 30765603 (cited by Ambry Genetics); PubMed 30209399 (cited by Myriad Genetics, Inc.); PubMed 28781887 (cited by Labcorp Genetics (formerly Invitae), Labcorp); PubMed 9333265 (cited by Labcorp Genetics (formerly Invitae), Labcorp).